The following is an entry in ClinVar:

ClinVar aggregate classification (germline): Conflicting classifications of pathogenicity. Review status: criteria provided, conflicting classifications (1 of 4 stars). 8 submissions from 8 submitters: Uncertain significance (7); Likely benign (1). Last evaluated 2025-10-14.

Conditions:
Hereditary cancer-predisposing syndrome. Also called: Tumor predisposition; Hereditary Cancer Syndrome; Hereditary neoplastic syndrome; Neoplastic Syndromes, Hereditary. Identifiers: Orphanet 140162, MedGen C0027672, MeSH D009386, MONDO:0015356.
Microcephaly, normal intelligence and immunodeficiency (NBS). Also called: IMMUNODEFICIENCY, MICROCEPHALY, AND CHROMOSOMAL INSTABILITY; SEEMANOVA SYNDROME II; Nijmegen breakage syndrome; Microcephaly with normal intelligence immunodeficiency and lymphoreticular malignancies; Nonsyndromal microcephaly autosomal recessive with normal intelligence; Seemanova syndrome 2. Identifiers: Orphanet 647, MedGen C0398791, MONDO:0009623, OMIM 251260.
Aplastic anemia. Identifiers: Orphanet 182040, Orphanet 88, MedGen C0002874, MONDO:0015909, OMIM 609135, HP:0001915.

Allele frequency attached by ClinVar (database versions not stated): ExAC 0.00001; TOPMed 0.00001.
gnomAD v4.1: 9 of 1,610,646 alleles (0.00056%); highest among the groups gnomAD compares: Middle Eastern, 0.017%; no homozygotes.

Submissions (8):

Institute for Biomarker Research, Medical Diagnostic Laboratories, L.L.C.
Classification: Uncertain significance for Hereditary cancer-predisposing syndrome. Last evaluated: 2025-10-14. Review status: criteria provided, single submitter. Criteria: ACMG Guidelines, 2015. Collection method: clinical testing. Allele origin: germline.
Comment: The missense variant NM_002485.5(NBN):c.1417C>A (p.Gln473Lys) has not been reported previously as a pathogenic variant, to our knowledge. The p.Gln473Lys variant is observed in 1/111,840 (0.0009%) alleles from individuals of gnomAD Non Finnish European background in gnomAD. There is a small physicochemical difference between glutamine and lysine, which is not likely to impact secondary protein structure as these residues share similar properties. For these reasons, this variant has been classified as Uncertain Significance.

Labcorp Genetics (formerly Invitae), Labcorp
Classification: Likely benign for Microcephaly, normal intelligence and immunodeficiency. Last evaluated: 2025-08-07. Review status: criteria provided, single submitter. Criteria: Invitae Variant Classification Sherloc (09022015). Collection method: clinical testing. Allele origin: germline.

Women's Health and Genetics/Laboratory Corporation of America, LabCorp
Classification: Uncertain significance. Last evaluated: 2025-04-28. Review status: criteria provided, single submitter. Criteria: LabCorp Variant Classification Summary - May 2015. Collection method: clinical testing. Allele origin: germline.
Comment: Variant summary: NBN c.1417C>A (p.Gln473Lys) results in a conservative amino acid change in the encoded protein sequence. Five of five in-silico tools predict a benign effect of the variant on protein function. The variant allele was found at a frequency of 8.1e-06 in 247644 control chromosomes. The available data on variant occurrences in the general population are insufficient to allow any conclusion about variant significance. c.1417C>A has been observed in a study to screen for association of pathogenic germline variants in NBN with pancancer susceptibility without clinical data specification and genotype-phenotype correlation (Belhadj_2023). These report(s) do not provide unequivocal conclusions about association of the variant with Nijmegen Breakage Syndrome. To our knowledge, no experimental evidence demonstrating an impact on protein function has been reported. The following publication have been ascertained in the context of this evaluation (PMID: 36346689). ClinVar contains an entry for this variant (Variation ID: 233769). Based on the evidence outlined above, the variant was classified as uncertain significance.

Baylor Genetics
Classification: Uncertain significance for Aplastic anemia. Last evaluated: 2023-05-24. Review status: criteria provided, single submitter. Criteria: ACMG Guidelines, 2015. Collection method: clinical testing. Allele origin: unknown.

GeneDx
Classification: Uncertain significance. Last evaluated: 2023-03-17. Review status: criteria provided, single submitter. Criteria: GeneDx Variant Classification Process June 2021. Collection method: clinical testing. Allele origin: germline. Affected: yes.
Comment: Not observed at significant frequency in large population cohorts (gnomAD); In silico analysis supports that this missense variant does not alter protein structure/function; Observed in individuals with a personal history of breast cancer (Hauke et al., 2018); This variant is associated with the following publications: (PMID: 29522266)

Ambry Genetics
Classification: Uncertain significance for Hereditary cancer-predisposing syndrome. Last evaluated: 2023-03-16. Review status: criteria provided, single submitter. Criteria: Ambry Variant Classification Scheme 2023. Collection method: clinical testing. Allele origin: germline.
Comment: The p.Q473K variant (also known as c.1417C>A), located in coding exon 11 of the NBN gene, results from a C to A substitution at nucleotide position 1417. The glutamine at codon 473 is replaced by lysine, an amino acid with similar properties. This alteration was detected in 1/5589 German BRCA1/2-negative probands with breast cancer (Hauke J et al. Cancer Med, 2018 Apr;7:1349-1358). This alteration was also detected in a cohort of cancer patients in the MSK-IMPACT study (Belhadj S et al. Clin Cancer Res, 2023 Jan;29:422-431). This amino acid position is well conserved in available vertebrate species. In addition, this alteration is predicted to be tolerated by in silico analysis. Since supporting evidence is limited at this time, the clinical significance of this alteration remains unclear.

Genome-Nilou Lab
Classification: Uncertain significance for Microcephaly, normal intelligence and immunodeficiency. Last evaluated: 2021-11-07. Review status: criteria provided, single submitter. Criteria: ACMG Guidelines, 2015. Collection method: clinical testing. Allele origin: germline. Affected: no.

Illumina Laboratory Services, Illumina
Classification: Uncertain significance for Microcephaly, normal intelligence and immunodeficiency. Last evaluated: 2018-01-13. Review status: criteria provided, single submitter. Criteria: ICSL Variant Classification Criteria 13 December 2019. Collection method: clinical testing. Allele origin: germline.

Literature cited by the submitters: PubMed 36346689 (cited by Women's Health and Genetics/Laboratory Corporation of America, LabCorp and Ambry Genetics); PubMed 29522266 (cited by Ambry Genetics).

NM_002485.5(NBN):c.1417C>A (p.Gln473Lys)

Gene: NBN (nibrin; minus strand). Cytogenetic location: 8q21.3.
Variant type: single nucleotide variant.
Coding change: c.1417C>A on transcript NM_002485.5 (MANE Select); coding-DNA position 1417, C replaced by A.
Protein change: p.Gln473Lys; replaces glutamine 473 with lysine.
Molecular consequence: missense variant.
Genome position (GRCh38, 1-based): chr8:89,953,672, G>T on the plus strand (C>A on the coding strand, the complement: NBN is on the minus strand). VCF-style: chr8-89953672-G-T. GRCh37 (hg19) VCF-style: chr8-90965900-G-T.
Other names: c.1171C>A, p.Gln391Lys (NM_001024688.3); short protein forms Q473K, Q391K.
Identifiers: ClinVar variation 233769 (VCV000233769.33), dbSNP rs755805461, ClinGen allele CA4802721.